The following is an entry in ClinVar:

NM_001330260.2(SCN8A):c.3865C>T (p.Leu1289=)

Gene: SCN8A (sodium voltage-gated channel alpha subunit 8; plus strand). Cytogenetic location: 12q13.13.
Variant type: single nucleotide variant.
Coding change: c.3865C>T on transcript NM_001330260.2 (MANE Select); coding-DNA position 3865, C replaced by T.
Protein change: p.Leu1289=; no amino-acid change (leucine 1289 retained).
Molecular consequence: synonymous variant. On other transcripts: intron variant (2).
Genome position (GRCh38, 1-based): chr12:51,780,694, C>T. VCF-style: chr12-51780694-C-T. GRCh37 (hg19) VCF-style: chr12-52174478-C-T.
Other names: c.3865C>T (NM_014191.3); c.3865C>T, p.Leu1289= (NM_014191.4); c.3820-5848C>T (NM_001177984.3, NM_001369788.1).
Identifiers: ClinVar variation 3730378 (VCV003730378.3).

ClinVar aggregate classification (germline): Conflicting classifications of pathogenicity. Review status: criteria provided, conflicting classifications (1 of 4 stars). 2 submissions from 2 submitters: Uncertain significance (1); Likely benign (1). Last evaluated 2024-08-20.

Conditions:
Early-infantile DEE. Also called: Early infantile epileptic encephalopathy; Ohtahara syndrome; Early infantile epileptic encephalopathy with suppression bursts. Identifiers: Orphanet 1934, MedGen C0393706, MONDO:0800491.

gnomAD v4.1: 2 of 1,587,610 alleles (0.00013%); highest among the groups gnomAD compares: South Asian, 0.0011%; no homozygotes.

Submissions (2):

GeneDx
Classification: Uncertain significance. Last evaluated: 2024-08-20. Review status: criteria provided, single submitter. Criteria: GeneDx Variant Classification Process June 2021. Collection method: clinical testing. Allele origin: germline. Affected: yes.
Comment: In silico analysis indicates that this variant does not alter splicing; Has not been previously published as pathogenic or benign to our knowledge

Labcorp Genetics (formerly Invitae), Labcorp
Classification: Likely benign for Early-infantile DEE. Last evaluated: 2024-08-11. Review status: criteria provided, single submitter. Criteria: Invitae Variant Classification Sherloc (09022015). Collection method: clinical testing. Allele origin: germline.